The following is an entry in ClinVar:

NM_019074.4(DLL4):c.926C>T (p.Thr309Ile)

Gene: DLL4 (delta like canonical Notch ligand 4; plus strand). Cytogenetic location: 15q15.1.
Variant type: single nucleotide variant.
Coding change: c.926C>T on transcript NM_019074.4 (MANE Select); coding-DNA position 926, C replaced by T.
Protein change: p.Thr309Ile; replaces threonine 309 with isoleucine.
Molecular consequence: missense variant.
Genome position (GRCh38, 1-based): chr15:40,934,623, C>T. VCF-style: chr15-40934623-C-T. GRCh37 (hg19) VCF-style: chr15-41226821-C-T.
Other names: c.926C>T (NM_019074.3); short protein forms T309I.
Identifiers: ClinVar variation 1497951 (VCV001497951.7), dbSNP rs199881505, ClinGen allele CA7487805.
Genomic context (GRCh38, chr15:40,934,623, plus strand): 5'-CCCACCACTCCCCATGCAAGAATGGGGCAACGTGCTCCAACAGTGGGCAGCGAAGCTACA[C>T]CTGCACCTGTCGCCCAGGCTACACTGGTGTGGACTGTGAGCTGGAGCTCAGCGAGTGTGA-3'
Protein context (NP_061947.1, residues 299-319): TCSNSGQRSY[Thr309Ile]CTCRPGYTGV

ClinVar aggregate classification (germline): Uncertain significance. Review status: criteria provided, multiple submitters, no conflicts (2 of 4 stars). 2 submissions from 2 submitters: Uncertain significance (2). Last evaluated 2025-08-21.

Conditions:
Inborn genetic diseases. Identifiers: MedGen C0950123, MeSH D030342.

Allele frequency attached by ClinVar (database versions not stated): gnomAD 0.00001 and 0.00002.
gnomAD v4.1: 14 of 1,613,818 alleles (0.00087%); highest among the groups gnomAD compares: Non-Finnish European, 0.0011%; no homozygotes.

Submissions (2):

Labcorp Genetics (formerly Invitae), Labcorp
Classification: Uncertain significance. Last evaluated: 2025-08-21. Review status: criteria provided, single submitter. Criteria: Invitae Variant Classification Sherloc (09022015). Collection method: clinical testing. Allele origin: germline.
Comment: This sequence change replaces threonine, which is neutral and polar, with isoleucine, which is neutral and non-polar, at codon 309 of the DLL4 protein (p.Thr309Ile). This variant is present in population databases (rs199881505, gnomAD 0.003%). This variant has not been reported in the literature in individuals affected with DLL4-related conditions. ClinVar contains an entry for this variant (Variation ID: 1497951). Invitae Evidence Modeling of protein sequence and biophysical properties (such as structural, functional, and spatial information, amino acid conservation, physicochemical variation, residue mobility, and thermodynamic stability) indicates that this missense variant is not expected to disrupt DLL4 protein function with a negative predictive value of 80%. In summary, the available evidence is currently insufficient to determine the role of this variant in disease. Therefore, it has been classified as a Variant of Uncertain Significance.

Ambry Genetics
Classification: Uncertain significance for Inborn genetic diseases. Last evaluated: 2024-06-18. Review status: criteria provided, single submitter. Criteria: Ambry Variant Classification Scheme 2023. Collection method: clinical testing. Allele origin: germline.